The following is an entry in ClinVar:

ClinVar aggregate classification (germline): Uncertain significance. Review status: criteria provided, multiple submitters, no conflicts (2 of 4 stars). 2 submissions from 2 submitters: Uncertain significance (2). Last evaluated 2025-11-03.

Allele frequency attached by ClinVar (database versions not stated): ExAC 0.00002.
gnomAD v4.1: 87 of 1,613,988 alleles (0.0054%); highest among the groups gnomAD compares: Non-Finnish European, 0.007%; no homozygotes.

Submissions (2):

Labcorp Genetics (formerly Invitae), Labcorp
Classification: Uncertain significance. Last evaluated: 2025-11-03. Review status: criteria provided, single submitter. Criteria: Invitae Variant Classification Sherloc (09022015). Collection method: clinical testing. Allele origin: germline.
Comment: This sequence change replaces threonine, which is neutral and polar, with isoleucine, which is neutral and non-polar, at codon 521 of the RINT1 protein (p.Thr521Ile). This variant is present in population databases (rs767823700, gnomAD 0.006%). This missense change has been observed in individual(s) with breast cancer (PMID: 25050558). ClinVar contains an entry for this variant (Variation ID: 1775286). An algorithm developed to predict the effect of missense changes on protein structure and function (PolyPhen-2) suggests that this variant is likely to be disruptive. In summary, the available evidence is currently insufficient to determine the role of this variant in disease. Therefore, it has been classified as a Variant of Uncertain Significance.

Ambry Genetics
Classification: Uncertain significance. Last evaluated: 2024-02-03. Review status: criteria provided, single submitter. Criteria: Ambry Variant Classification Scheme 2023. Collection method: clinical testing. Allele origin: germline.
Comment: The p.T521I variant (also known as c.1562C>T), located in coding exon 11 of the RINT1 gene, results from a C to T substitution at nucleotide position 1562. The threonine at codon 521 is replaced by isoleucine, an amino acid with similar properties. This amino acid position is highly conserved in available vertebrate species. In addition, the in silico prediction for this alteration is inconclusive. The evidence for this gene-disease relationship is limited; therefore, the clinical significance of this alteration is unclear.

Literature cited by the submitters: PubMed 25050558 (cited by Labcorp Genetics (formerly Invitae), Labcorp).

NM_021930.6(RINT1):c.1562C>T (p.Thr521Ile)

Gene: RINT1 (RAD50 interactor 1; plus strand). Cytogenetic location: 7q22.3.
Variant type: single nucleotide variant.
Coding change: c.1562C>T on transcript NM_021930.6 (MANE Select); coding-DNA position 1562, C replaced by T.
Protein change: p.Thr521Ile; replaces threonine 521 with isoleucine.
Molecular consequence: missense variant.
Genome position (GRCh38, 1-based): chr7:105,555,118, C>T. VCF-style: chr7-105555118-C-T. GRCh37 (hg19) VCF-style: chr7-105195565-C-T.
Other names: c.1328C>T, p.Thr443Ile (NM_001346599.2); c.539C>T, p.Thr180Ile (NM_001346600.2, NM_001346603.2); c.638C>T, p.Thr213Ile (NM_001346601.2); short protein forms T213I, T180I, T521I, T443I.
Identifiers: ClinVar variation 1775286 (VCV001775286.7), dbSNP rs767823700, ClinGen allele CA4426711.